The following is an entry in ClinVar:

NM_001754.5(RUNX1):c.1286T>G (p.Leu429Arg)

Gene: RUNX1 (RUNX family transcription factor 1; minus strand). Cytogenetic location: 21q22.12.
Variant type: single nucleotide variant.
Coding change: c.1286T>G on transcript NM_001754.5 (MANE Select); coding-DNA position 1286, T replaced by G.
Protein change: p.Leu429Arg; replaces leucine 429 with arginine.
Molecular consequence: missense variant.
Genome position (GRCh38, 1-based): chr21:34,792,292, A>C on the plus strand (T>G on the coding strand, the complement: RUNX1 is on the minus strand). VCF-style: chr21-34792292-A-C. GRCh37 (hg19) VCF-style: chr21-36164589-A-C.
Other names: NM_001754.5(RUNX1):c.1286T>G; p.Leu429Arg; c.1205T>G, p.Leu402Arg (NM_001001890.3); short protein forms L429R, L402R.
Identifiers: ClinVar variation 1411636 (VCV001411636.9), dbSNP rs2056450952, ClinGen allele CA410147502.

ClinVar aggregate classification (germline): Uncertain significance. Review status: reviewed by expert panel (3 of 4 stars). 2 submissions from 2 submitters: Uncertain significance (1). 1 of the submissions does not count toward it. Last evaluated 2024-10-29.

Conditions:
Hereditary thrombocytopenia and hematologic cancer predisposition syndrome. Identifiers: Orphanet 71290, MedGen CN281654, MONDO:0011071.
Hereditary thrombocytopenia and hematological cancer predisposition syndrome associated with RUNX1. Also called: Familial Platelet Disorder with Propensity to Acute Myelogenous Leukemia; Familial thrombocytopenia with propensity to acute myelogenous leukemia; RUNX1 Familial Platelet Disorder with Associated Myeloid Malignancies; PLATELET DISORDER, ASPIRIN-LIKE. Identifiers: Orphanet 71290, MedGen C1832388, MeSH C563324, MONDO:0100083, OMIM 601399.

Submissions (2):

ClinGen Myeloid Malignancy Variant Curation Expert Panel
Classification: Uncertain significance for Hereditary thrombocytopenia and hematologic cancer predisposition syndrome. Last evaluated: 2024-10-29. Review status: reviewed by expert panel. Criteria: ClinGen MyeloMalig ACMG Specifications v2. Collection method: curation. Allele origin: germline. Inheritance: Autosomal dominant inheritance.
Comment: NM_001754.5(RUNX1):c.1286T>G (p.Leu429Arg) is a missense variant which is absent from both gnomAD v2.1 and gnomAD v3.1.2 (PM2_supporting). This variant has not been reported in any proband meeting at least one of the RUNX1-phenotypic criteria. It has a REVEL score of 0.399, which is less than 0.50 (BP4). In summary, this variant meets the criteria to be classified as a variant of uncertain significance. ACMG/AMP criteria applied, as specified by the Myeloid Malignancy Variant Curation Expert Panel for RUNX1: BP4, PM2_supporting.

Labcorp Genetics (formerly Invitae), Labcorp
Classification: Uncertain significance for Hereditary thrombocytopenia and hematological cancer predisposition syndrome associated with RUNX1. Last evaluated: 2024-04-29. Review status: criteria provided, single submitter. Criteria: Invitae Variant Classification Sherloc (09022015). Collection method: clinical testing. Allele origin: germline. Not counted in ClinVar's aggregate classification.
Comment: This sequence change replaces leucine, which is neutral and non-polar, with arginine, which is basic and polar, at codon 429 of the RUNX1 protein (p.Leu429Arg). This variant is not present in population databases (gnomAD no frequency). This variant has not been reported in the literature in individuals affected with RUNX1-related conditions. ClinVar contains an entry for this variant (Variation ID: 1411636). Advanced modeling of protein sequence and biophysical properties (such as structural, functional, and spatial information, amino acid conservation, physicochemical variation, residue mobility, and thermodynamic stability) performed at Invitae indicates that this missense variant is not expected to disrupt RUNX1 protein function with a negative predictive value of 80%. In summary, the available evidence is currently insufficient to determine the role of this variant in disease. Therefore, it has been classified as a Variant of Uncertain Significance.